The following is an entry in ClinVar:

NM_173477.5(USH1G):c.374G>A (p.Ser125Asn)

Gene: USH1G (USH1 protein network component sans; minus strand). Cytogenetic location: 17q25.1.
Variant type: single nucleotide variant.
Coding change: c.374G>A on transcript NM_173477.5 (MANE Select); coding-DNA position 374, G replaced by A.
Protein change: p.Ser125Asn; replaces serine 125 with asparagine.
Molecular consequence: missense variant.
Genome position (GRCh38, 1-based): chr17:74,920,462, C>T on the plus strand (G>A on the coding strand, the complement: USH1G is on the minus strand). VCF-style: chr17-74920462-C-T. GRCh37 (hg19) VCF-style: chr17-72916557-C-T.
Other names: c.65G>A, p.Ser22Asn (NM_001282489.3); short protein forms S22N, S125N.
Identifiers: ClinVar variation 1942061 (VCV001942061.5), dbSNP rs954934463, ClinGen allele CA293984916.
Genomic context (GRCh38, chr17:74,920,462, plus strand): 5'-CGCTCCGCCTCGCGGAAGGCCTTGTCCTTCAGCTTACCCACCAGCTTGGGGTTGAGGCTG[C>T]TCTGCTTGGCCGCGATGGAGTCCAGGTAGCGCACGCATTCCATGTGGCCCTTCATGGCAG-3'
Protein context (NP_775748.2, residues 115-135): RYLDSIAAKQ[Ser125Asn]SLNPKLVGKL

ClinVar aggregate classification (germline): Uncertain significance (1 of 4 stars; one submission).

Allele frequency attached by ClinVar (database versions not stated): TOPMed 0.00002.

Submission:

Labcorp Genetics (formerly Invitae), Labcorp
Classification: Uncertain significance. Last evaluated: 2022-03-15. Review status: criteria provided, single submitter. Criteria: Invitae Variant Classification Sherloc (09022015). Collection method: clinical testing. Allele origin: germline.
Comment: In summary, the available evidence is currently insufficient to determine the role of this variant in disease. Therefore, it has been classified as a Variant of Uncertain Significance. Algorithms developed to predict the effect of missense changes on protein structure and function are either unavailable or do not agree on the potential impact of this missense change (SIFT: "Not Available"; PolyPhen-2: "Benign"; Align-GVGD: "Not Available"). This variant has not been reported in the literature in individuals affected with USH1G-related conditions. This variant is not present in population databases (gnomAD no frequency). This sequence change replaces serine, which is neutral and polar, with asparagine, which is neutral and polar, at codon 125 of the USH1G protein (p.Ser125Asn).